The following is an entry in ClinVar:

NM_005228.5(EGFR):c.2591C>T (p.Ala864Val)

Gene: EGFR (epidermal growth factor receptor; plus strand). Cytogenetic location: 7p11.2.
Variant type: single nucleotide variant.
Coding change: c.2591C>T on transcript NM_005228.5 (MANE Select); coding-DNA position 2591, C replaced by T.
Protein change: p.Ala864Val; replaces alanine 864 with valine.
Molecular consequence: missense variant.
Genome position (GRCh38, 1-based): chr7:55,191,840, C>T. VCF-style: chr7-55191840-C-T. GRCh37 (hg19) VCF-style: chr7-55259533-C-T.
Other names: c.2456C>T, p.Ala819Val (NM_001346897.2, NM_001346899.2); c.2432C>T, p.Ala811Val (NM_001346900.2); c.1790C>T, p.Ala597Val (NM_001346941.2); c.2591C>T, p.Ala864Val (NM_001346898.2); c.2591C>T (NM_005228.3); short protein forms A597V, A819V, A811V, A864V.
Identifiers: ClinVar variation 1426844 (VCV001426844.8), dbSNP rs2128964666, ClinGen allele CA367580307.

ClinVar aggregate classification (germline): Uncertain significance. Review status: criteria provided, multiple submitters, no conflicts (2 of 4 stars). 2 submissions from 2 submitters: Uncertain significance (2). Last evaluated 2026-01-13.

Conditions:
EGFR-related lung cancer (EGFR). Identifiers: MedGen CN130014.
Hereditary cancer-predisposing syndrome. Also called: Tumor predisposition; Hereditary neoplastic syndrome; Neoplastic Syndromes, Hereditary; Hereditary Cancer Syndrome. Identifiers: Orphanet 140162, MedGen C0027672, MeSH D009386, MONDO:0015356.

Submissions (2):

Labcorp Genetics (formerly Invitae), Labcorp
Classification: Uncertain significance for EGFR-related lung cancer. Last evaluated: 2026-01-13. Review status: criteria provided, single submitter. Criteria: Invitae Variant Classification Sherloc (09022015). Collection method: clinical testing. Allele origin: germline.
Comment: This sequence change replaces alanine, which is neutral and non-polar, with valine, which is neutral and non-polar, at codon 864 of the EGFR protein (p.Ala864Val). This variant is not present in population databases (gnomAD no frequency). This variant has not been reported in the literature in individuals affected with EGFR-related conditions. ClinVar contains an entry for this variant (Variation ID: 1426844). Invitae Evidence Modeling of protein sequence and biophysical properties (such as structural, functional, and spatial information, amino acid conservation, physicochemical variation, residue mobility, and thermodynamic stability) indicates that this missense variant is not expected to disrupt EGFR protein function with a negative predictive value of 80%. In summary, the available evidence is currently insufficient to determine the role of this variant in disease. Therefore, it has been classified as a Variant of Uncertain Significance.

Ambry Genetics
Classification: Uncertain significance for Hereditary cancer-predisposing syndrome. Last evaluated: 2025-08-15. Review status: criteria provided, single submitter. Criteria: Ambry Variant Classification Scheme 2023. Collection method: clinical testing. Allele origin: germline.
Comment: The p.A864V variant (also known as c.2591C>T), located in coding exon 21 of the EGFR gene, results from a C to T substitution at nucleotide position 2591. The alanine at codon 864 is replaced by valine, an amino acid with similar properties. This amino acid position is well conserved in available vertebrate species. In addition, the in silico prediction for this alteration is inconclusive. Based on the available evidence, the clinical significance of this variant remains unclear.